The following is an entry in ClinVar:

NM_022552.5(DNMT3A):c.-9G>A

Gene: DNMT3A (DNA methyltransferase 3 alpha; minus strand). Cytogenetic location: 2p23.3.
Variant type: single nucleotide variant.
Coding change: c.-9G>A on transcript NM_022552.5 (MANE Select); 9 bases upstream of the start codon, G replaced by A.
Molecular consequence: 5 prime UTR variant. On other transcripts: non-coding transcript variant (1).
Genome position (GRCh38, 1-based): chr2:25,313,993, C>T on the plus strand (G>A on the coding strand, the complement: DNMT3A is on the minus strand). VCF-style: chr2-25313993-C-T. GRCh37 (hg19) VCF-style: chr2-25536862-C-T.
Other names: c.-9G>A (NM_001320892.2, NM_175629.2, NM_175630.1).
Identifiers: ClinVar variation 3030414 (VCV003030414.2), dbSNP rs780139901, ClinGen allele CA1556580.

ClinVar aggregate classification (germline): Likely benign (0 of 4 stars; one submission).

Conditions:
DNMT3A-related disorder. Also called: DNMT3A-related disorders; DNMT3A-related condition.

Allele frequency attached by ClinVar (database versions not stated): gnomAD 0.00001; TOPMed 0.00001; ExAC 0.00019.
gnomAD v4.1: 16 of 1,540,034 alleles (0.001%); highest among the groups gnomAD compares: Admixed American, 0.006%; no homozygotes.

Submission:

PreventionGenetics, part of Exact Sciences
Classification: Likely benign for DNMT3A-related condition. Last evaluated: 2022-08-26. Review status: no assertion criteria provided. Collection method: clinical testing. Allele origin: germline.
Comment: This variant is classified as likely benign based on ACMG/AMP sequence variant interpretation guidelines (Richards et al. 2015 PMID: 25741868, with internal and published modifications).